The following is an entry in ClinVar:

NM_000059.4(BRCA2):c.5274T>C (p.Asn1758=)

Gene: BRCA2 (BRCA2 DNA repair associated; plus strand). Cytogenetic location: 13q13.1.
Variant type: single nucleotide variant.
Coding change: c.5274T>C on transcript NM_000059.4 (MANE Select); coding-DNA position 5274, T replaced by C.
Protein change: p.Asn1758=; no amino-acid change (asparagine 1758 retained).
Molecular consequence: synonymous variant.
Genome position (GRCh38, 1-based): chr13:32,339,629, T>C. VCF-style: chr13-32339629-T-C. GRCh37 (hg19) VCF-style: chr13-32913766-T-C.
Identifiers: ClinVar variation 480889 (VCV000480889.17), dbSNP rs1555284142, ClinGen allele CA483438491.
Genomic context (GRCh38, chr13:32,339,629, plus strand): 5'-TTATTTAAGTAACAGTAGCATGTCTAACAGCTATTCCTACCATTCTGATGAGGTATATAA[T>C]GATTCAGGATATCTCTCAAAAAATAAACTTGATTCTGGTATTGAGCCAGTATTGAAGAAT-3'
Protein context (NP_000050.3, residues 1748-1768): SYSYHSDEVY[Asn1758=]DSGYLSKNKL

ClinVar aggregate classification (germline): Conflicting classifications of pathogenicity. Review status: criteria provided, conflicting classifications (1 of 4 stars). 3 submissions from 3 submitters: Uncertain significance (1); Likely benign (2). Last evaluated 2025-12-02.

Conditions:
Hereditary cancer-predisposing syndrome. Also called: Hereditary Cancer Syndrome; Neoplastic Syndromes, Hereditary; Tumor predisposition; Hereditary neoplastic syndrome. Identifiers: Orphanet 140162, MedGen C0027672, MeSH D009386, MONDO:0015356.
Hereditary breast ovarian cancer syndrome. Also called: Hereditary breast and ovarian cancer syndrome; Hereditary breast and ovarian cancer; Hereditary breast and ovarian cancer syndrome (HBOC); Breast and ovarian cancer; Hereditary breast and/or ovarian cancer syndrome; BRCA1- and BRCA2-Associated Hereditary Breast and Ovarian Cancer. Identifiers: Orphanet 145, MedGen C0677776, MeSH D061325, MONDO:0003582. Disease mechanism: loss of function.

Allele frequency attached by ClinVar (database versions not stated): TOPMed below 0.00001.

Submissions (3):

Labcorp Genetics (formerly Invitae), Labcorp
Classification: Likely benign for Hereditary breast ovarian cancer syndrome. Last evaluated: 2025-12-02. Review status: criteria provided, single submitter. Criteria: Invitae Variant Classification Sherloc (09022015). Collection method: clinical testing. Allele origin: germline.

GeneDx
Classification: Uncertain significance. Last evaluated: 2023-10-17. Review status: criteria provided, single submitter. Criteria: GeneDx Variant Classification Process June 2021. Collection method: clinical testing. Allele origin: germline. Affected: yes.
Comment: Not observed at significant frequency in large population cohorts (gnomAD); In silico analysis supports that this variant does not alter splicing; Has not been previously published as pathogenic or benign to our knowledge; Also known as 5502T>C

Ambry Genetics
Classification: Likely benign for Hereditary cancer-predisposing syndrome. Last evaluated: 2016-02-26. Review status: criteria provided, single submitter. Criteria: Ambry Variant Classification Scheme 2023. Collection method: clinical testing. Allele origin: germline.